The following is an entry in ClinVar:

ClinVar aggregate classification (germline): Uncertain significance (1 of 4 stars; one submission).

Conditions:
Hereditary cancer-predisposing syndrome. Also called: Neoplastic Syndromes, Hereditary; Hereditary neoplastic syndrome; Tumor predisposition; Hereditary Cancer Syndrome. Identifiers: Orphanet 140162, MedGen C0027672, MeSH D009386, MONDO:0015356.

Submission:

Ambry Genetics
Classification: Uncertain significance for Hereditary cancer-predisposing syndrome. Last evaluated: 2026-02-16. Review status: criteria provided, single submitter. Criteria: Ambry Variant Classification Scheme 2023. Collection method: clinical testing. Allele origin: germline.
Comment: The p.Y353F variant (also known as c.1058A>T), located in coding exon 7 of the MEN1 gene, results from an A to T substitution at nucleotide position 1058. The tyrosine at codon 353 is replaced by phenylalanine, an amino acid with highly similar properties. This amino acid position is highly conserved in available vertebrate species. In addition, the in silico prediction for this alteration is inconclusive. Based on the available evidence, the clinical significance of this variant remains unclear.

NM_001370259.2(MEN1):c.1058A>T (p.Tyr353Phe)

Gene: MEN1 (menin 1; minus strand). Cytogenetic location: 11q13.1.
Variant type: single nucleotide variant.
Coding change: c.1058A>T on transcript NM_001370259.2 (MANE Select); coding-DNA position 1058, A replaced by T.
Protein change: p.Tyr353Phe; replaces tyrosine 353 with phenylalanine.
Molecular consequence: missense variant. On other transcripts: non-coding transcript variant (4).
Genome position (GRCh38, 1-based): chr11:64,805,762, T>A on the plus strand (A>T on the coding strand, the complement: MEN1 is on the minus strand). VCF-style: chr11-64805762-T-A. GRCh37 (hg19) VCF-style: chr11-64573234-T-A.
Other names: c.1073A>T, p.Tyr358Phe (NM_000244.4, NM_001407145.1, NM_130800.3 and 4 more transcripts); c.1184A>T, p.Tyr395Phe (NM_001370251.2, NM_001407142.1, NM_001407143.1 and 1 more transcripts); c.1058A>T, p.Tyr353Phe (NM_001370260.2, NM_001370261.2, NM_001407146.1 and 3 more transcripts); c.953A>T, p.Tyr318Phe (NM_001370262.2, NM_001370263.2, NM_001407148.1 and 1 more transcripts); c.1199A>T, p.Tyr400Phe (NM_001407150.1); c.1079A>T, p.Tyr360Phe (NM_001407151.1); short protein forms Y400F, Y353F, Y395F, Y358F, Y360F, Y318F.
Identifiers: ClinVar variation 4824022 (VCV004824022.1).